The following is an entry in ClinVar:

ClinVar aggregate classification (germline): Uncertain significance. Review status: criteria provided, multiple submitters, no conflicts (2 of 4 stars). 2 submissions from 2 submitters: Uncertain significance (2). Last evaluated 2026-07-01.

Conditions:
Glycogen storage disease, type II (IOPD). Also called: CARDIOMEGALIA GLYCOGENICA DIFFUSA; GLYCOGENOSIS, GENERALIZED, CARDIAC FORM; GSD II; POMPE DISEASE, INFANTILE-ONSET; GLYCOGEN STORAGE DISEASE II, INFANTILE-ONSET; ACID ALPHA-GLUCOSIDASE DEFICIENCY, INFANTILE-ONSET. Identifiers: Orphanet 365, MedGen C0017921, MONDO:0009290, OMIM 232300.

Allele frequency attached by ClinVar (database versions not stated): gnomAD exomes below 0.00001; ESP Exome Variant Server 0.00008.

Submissions (2):

Genomenon, Inc
Classification: Uncertain significance for Glycogen storage disease, type II. Last evaluated: 2026-07-01. Review status: criteria provided, single submitter. Criteria: Genomenon Sequence Variant Interpretation Standards - Updated. Collection method: curation. Allele origin: germline. Affected: no.
Comment: GAA p.Pro707Leu (c.2120C>T) is a missense variant that changes the amino acid at codon 707 from Proline to Leucine. This variant has been reported in the published literature (PMID:30281819). It is absent or not present at a significant frequency in gnomAD. In silico models predict that this variant is possibly or probably damaging. In conclusion, we classify GAA p.Pro707Leu (c.2120C>T) as a variant of uncertain significance.

Labcorp Genetics (formerly Invitae), Labcorp
Classification: Uncertain significance for Glycogen storage disease, type II. Last evaluated: 2023-12-06. Review status: criteria provided, single submitter. Criteria: Invitae Variant Classification Sherloc (09022015). Collection method: clinical testing. Allele origin: germline.
Comment: This sequence change replaces proline, which is neutral and non-polar, with leucine, which is neutral and non-polar, at codon 707 of the GAA protein (p.Pro707Leu). This variant is not present in population databases (gnomAD no frequency). This variant has not been reported in the literature in individuals affected with GAA-related conditions. ClinVar contains an entry for this variant (Variation ID: 1470585). Advanced modeling of protein sequence and biophysical properties (such as structural, functional, and spatial information, amino acid conservation, physicochemical variation, residue mobility, and thermodynamic stability) performed at Invitae indicates that this missense variant is expected to disrupt GAA protein function with a positive predictive value of 95%. In summary, the available evidence is currently insufficient to determine the role of this variant in disease. Therefore, it has been classified as a Variant of Uncertain Significance.

Literature cited by the submitters: PubMed 30281819 (cited by Genomenon, Inc).

NM_000152.5(GAA):c.2120C>T (p.Pro707Leu)

Gene: GAA (alpha glucosidase; plus strand). Cytogenetic location: 17q25.3.
Variant type: single nucleotide variant.
Coding change: c.2120C>T on transcript NM_000152.5 (MANE Select); coding-DNA position 2120, C replaced by T.
Protein change: p.Pro707Leu; replaces proline 707 with leucine.
Molecular consequence: missense variant.
Genome position (GRCh38, 1-based): chr17:80,113,297, C>T. VCF-style: chr17-80113297-C-T. GRCh37 (hg19) VCF-style: chr17-78087096-C-T.
Other names: c.2120C>T, p.Pro707Leu (NM_001079803.3, NM_001079804.3); short protein forms P707L.
Identifiers: ClinVar variation 1470585 (VCV001470585.9), dbSNP rs139009731, ClinGen allele CA294897393.
Genomic context (GRCh38, chr17:80,113,297, plus strand): 5'-TCAGCGAGCCGGCCCAGCAGGCCATGAGGAAGGCCCTCACCCTGCGCTACGCACTCCTCC[C>T]CCACCTCTACACACTGTTCCACCAGGCCCACGTCGCGGGGGAGACCGTGGCCCGGCCCCT-3'
Protein context (NP_000143.2, residues 697-717): KALTLRYALL[Pro707Leu]HLYTLFHQAH